The following is an entry in ClinVar:

NM_007294.4(BRCA1):c.338A>T (p.Asn113Ile)

Gene: BRCA1 (BRCA1 DNA repair associated; minus strand). Cytogenetic location: 17q21.31.
Variant type: single nucleotide variant.
Coding change: c.338A>T on transcript NM_007294.4 (MANE Select); coding-DNA position 338, A replaced by T.
Protein change: p.Asn113Ile; replaces asparagine 113 with isoleucine.
Molecular consequence: missense variant. On other transcripts: 5 prime UTR variant (7), intron variant (2).
Genome position (GRCh38, 1-based): chr17:43,104,225, T>A on the plus strand (A>T on the coding strand, the complement: BRCA1 is on the minus strand). VCF-style: chr17-43104225-T-A. GRCh37 (hg19) VCF-style: chr17-41256242-T-A.
Other names: c.338A>T, p.Asn113Ile (NM_001408446.1, NM_001408447.1, NM_001408448.1 and 164 more transcripts); c.206A>T, p.Asn69Ile (NM_001408451.1); c.197A>T, p.Asn66Ile (NM_001408452.1, NM_001408453.1, NM_001408454.1 and 99 more transcripts); c.128A>T, p.Asn43Ile (NM_001408490.1, NM_001408491.1, NM_001408492.1 and 58 more transcripts); c.329A>T, p.Asn110Ile (NM_001408408.1, NM_001407646.1, NM_001407647.1); c.260A>T, p.Asn87Ile (NM_001408409.1, NM_001408411.1, NM_001408412.1 and 21 more transcripts); c.-44A>T (NM_001408510.1, NM_001408512.1, NM_001407959.1 and 4 more transcripts); c.-218-9365A>T (NM_001407967.1, NM_001407966.1); short protein forms N110I, N87I, N43I, N69I, N113I, N66I.
Identifiers: ClinVar variation 5033173 (VCV005033173.1).

ClinVar aggregate classification (germline): Uncertain significance (1 of 4 stars; one submission).

Conditions:
Hereditary cancer-predisposing syndrome. Also called: Neoplastic Syndromes, Hereditary; Tumor predisposition; Hereditary neoplastic syndrome; Hereditary Cancer Syndrome. Identifiers: Orphanet 140162, MedGen C0027672, MeSH D009386, MONDO:0015356.

Submission:

Ambry Genetics
Classification: Uncertain significance for Hereditary cancer-predisposing syndrome. Last evaluated: 2026-07-06. Review status: criteria provided, single submitter. Criteria: Ambry Variant Classification Scheme 2023. Collection method: clinical testing. Allele origin: germline.
Comment: The p.N113I variant (also known as c.338A>T), located in coding exon 5 of the BRCA1 gene, results from an A to T substitution at nucleotide position 338. The asparagine at codon 113 is replaced by isoleucine, an amino acid with dissimilar properties. This amino acid position is not well conserved in available vertebrate species. In addition, the in silico prediction for this alteration is inconclusive. Based on the available evidence, the clinical significance of this variant remains unclear.